The following is an entry in ClinVar:

NM_007078.3(LDB3):c.1586C>G (p.Pro529Arg)

Gene: LDB3 (LIM domain binding 3; plus strand). Cytogenetic location: 10q23.2.
Variant type: single nucleotide variant.
Coding change: c.1586C>G on transcript NM_007078.3 (MANE Select); coding-DNA position 1586, C replaced by G.
Protein change: p.Pro529Arg; replaces proline 529 with arginine.
Molecular consequence: missense variant.
Genome position (GRCh38, 1-based): chr10:86,716,681, C>G. VCF-style: chr10-86716681-C-G. GRCh37 (hg19) VCF-style: chr10-88476438-C-G.
Other names: c.1256C>G, p.Pro419Arg (NM_001080114.2); c.1601C>G, p.Pro534Arg (NM_001171610.2); c.1397C>G, p.Pro466Arg (NM_001368064.1, NM_001368065.1); c.1445C>G, p.Pro482Arg (NM_001368066.1); short protein forms P529R, P419R, P466R, P534R, P482R.
Identifiers: ClinVar variation 45529 (VCV000045529.5), dbSNP rs397517217, ClinGen allele CA136546.

ClinVar aggregate classification (germline): Uncertain significance. Review status: criteria provided, multiple submitters, no conflicts (2 of 4 stars). 2 submissions from 2 submitters: Uncertain significance (2). Last evaluated 2024-10-29.

Conditions:
Cardiovascular phenotype. Identifiers: MedGen CN230736.

gnomAD v4.1: 1 of 1,613,916 alleles (0.000062%); highest among the groups gnomAD compares: Admixed American, 0.0017%; no homozygotes.

Submissions (2):

Ambry Genetics
Classification: Uncertain significance for Cardiovascular phenotype. Last evaluated: 2024-10-29. Review status: criteria provided, single submitter. Criteria: Ambry Variant Classification Scheme 2023. Collection method: clinical testing. Allele origin: germline.

Laboratory for Molecular Medicine, Mass General Brigham Personalized Medicine
Classification: Uncertain significance. Last evaluated: 2012-01-10. Review status: criteria provided, single submitter. Criteria: LMM Criteria. Collection method: clinical testing. Allele origin: germline. Observed: 1 variant allele.
Comment: Variant classified as Uncertain Significance - Favor Benign. The Pro529Arg varia nt (LDB3) has not been reported in the literature nor previously identified by o ur laboratory. Proline (Pro) at position 529 is not conserved in mammals or lowe r species, increasing the likelihood that a change would be tolerated. Computati onal tools are mixed in their prediction on the impact to the protein (AlignGVGD = benign, PolyPhen2 & SIFT = pathogenic), though the accuracy of these tools is unknown. The lack of conservation of this residue suggests that the Pro529Arg v ariant may be benign, but additional information is needed to fully assess its c linical significance.